The following is an entry in ClinVar:

NM_000179.3(MSH6):c.3980dup (p.Asn1327fs)

Gene: MSH6 (mutS homolog 6; plus strand). Cytogenetic location: 2p16.3.
Variant type: Duplication.
Coding change: c.3980dup on transcript NM_000179.3 (MANE Select); coding-DNA position 3980, one base duplicated (A; older notation c.3980dupA).
Protein change: p.Asn1327fs; shifts the reading frame from asparagine 1327.
Molecular consequence: frameshift variant.
Genome position (GRCh38, 1-based): chr2:47,806,630, A duplicated; the last of 2 consecutive A bases (chr2:47,806,629-47,806,630); duplicating either gives the same sequence. VCF-style (leftmost placement, unchanged base first): chr2-47806628-G-GA. GRCh37 (hg19) VCF-style: chr2-48033767-G-GA.
Other names: c.3978_3979insA (NM_000179.2); c.3590dup, p.Asn1197fs (NM_001281492.2); c.3074dup, p.Asn1025fs (NM_001281493.2, NM_001281494.2); c.3980dupA (NM_000179.2); short protein forms N1025fs, N1197fs, N1327fs.
Identifiers: ClinVar variation 142234 (VCV000142234.16), dbSNP rs587782326, ClinGen allele CA014981.

ClinVar aggregate classification (germline): Pathogenic. Review status: criteria provided, multiple submitters, no conflicts (2 of 4 stars). 5 submissions from 5 submitters: Pathogenic (5). Last evaluated 2026-01-31.

Conditions:
MSH6-related disorder. Also called: MSH6-Related disorders; MSH6-related condition.
Hereditary nonpolyposis colorectal neoplasms. Identifiers: MedGen C0009405, MeSH D003123.
Hereditary cancer-predisposing syndrome. Also called: Tumor predisposition; Neoplastic Syndromes, Hereditary; Hereditary neoplastic syndrome; Hereditary Cancer Syndrome. Identifiers: Orphanet 140162, MedGen C0027672, MeSH D009386, MONDO:0015356.
Lynch syndrome 5 (LYNCH5). Also called: Colorectal cancer, hereditary nonpolyposis, type 5; Hereditary non-polyposis colorectal cancer, type 5. Identifiers: Orphanet 144, MedGen C1833477, MONDO:0013710, OMIM 614350. Disease mechanism: loss of function.
Endometrial carcinoma. Also called: Endometrial carcinoma, somatic. Identifiers: MedGen C0476089, MONDO:0002447, OMIM 608089, HP:0012114.

Submissions (5):

Labcorp Genetics (formerly Invitae), Labcorp
Classification: Pathogenic for Hereditary nonpolyposis colorectal neoplasms. Last evaluated: 2026-01-31. Review status: criteria provided, single submitter. Criteria: Invitae Variant Classification Sherloc (09022015). Collection method: clinical testing. Allele origin: germline.
Comment: This sequence change creates a premature translational stop signal (p.Asn1327Lysfs*14) in the MSH6 gene. While this is not anticipated to result in nonsense mediated decay, it is expected to disrupt the last 34 amino acid(s) of the MSH6 protein. This variant is not present in population databases (gnomAD no frequency). This premature translational stop signal has been observed in individual(s) with MSH6-related conditions (PMID: 24763289). ClinVar contains an entry for this variant (Variation ID: 142234). This variant disrupts a region of the MSH6 protein in which other variant(s) (p.Leu1330Valfs*12) have been determined to be pathogenic (PMID: 14520694, 15236168, 16237223, 19851887, 21155762, 26440929). This suggests that this is a clinically significant region of the protein, and that variants that disrupt it are likely to be disease-causing. For these reasons, this variant has been classified as Pathogenic.

PreventionGenetics, part of Exact Sciences
Classification: Pathogenic for MSH6-related condition. Last evaluated: 2025-07-23. Review status: criteria provided, single submitter. Criteria: ACMG Guidelines, 2015. Collection method: clinical testing. Allele origin: germline.
Comment: The MSH6 c.3980dupA variant is predicted to result in a frameshift and premature protein termination (p.Asn1327Lysfs*14). This variant was reported in an individual who underwent hereditary cancer predisposition testing (Table S3, LaDuca et al. 2014. PubMed ID: 24763289). This variant has not been reported in a large population database (gnomAD), indicating this variant is rare. This variant is interpreted as pathogenic in ClinVar (Variation ID: 142234). Frameshift variants in MSH6 are expected to be pathogenic. This variant is interpreted as pathogenic.

Baylor Genetics
Classification: Pathogenic for Endometrial carcinoma. Last evaluated: 2023-09-06. Review status: criteria provided, single submitter. Criteria: ACMG Guidelines, 2015. Collection method: clinical testing. Allele origin: unknown.

Myriad Genetics, Inc.
Classification: Pathogenic for Lynch syndrome 5. Last evaluated: 2023-08-28. Review status: criteria provided, single submitter. Criteria: Myriad Autosomal Dominant, Autosomal Recessive and X-Linked Classification Criteria (2023). Collection method: clinical testing. Allele origin: unknown.
Comment: This variant is considered pathogenic. This variant creates a frameshift predicted to result in premature protein truncation.

Ambry Genetics
Classification: Pathogenic for Hereditary cancer-predisposing syndrome. Last evaluated: 2013-03-12. Review status: criteria provided, single submitter. Criteria: Ambry Autosomal Dominant and X-Linked criteria (10/2015). Collection method: clinical testing. Allele origin: germline. Observed: 1 variant allele.
Comment: Alterations resulting in premature truncation (e.g.reading frame shift, nonsense)

Literature cited by the submitters: PubMed 24763289 (cited by Labcorp Genetics (formerly Invitae), Labcorp); PubMed 14520694 (cited by Labcorp Genetics (formerly Invitae), Labcorp); PubMed 15236168 (cited by Labcorp Genetics (formerly Invitae), Labcorp); PubMed 16237223 (cited by Labcorp Genetics (formerly Invitae), Labcorp); PubMed 19851887 (cited by Labcorp Genetics (formerly Invitae), Labcorp); PubMed 21155762 (cited by Labcorp Genetics (formerly Invitae), Labcorp); PubMed 26440929 (cited by Labcorp Genetics (formerly Invitae), Labcorp).